The following is an entry in ClinVar:

NM_000186.4(CFH):c.694C>T (p.Arg232Ter)

Gene: CFH (complement factor H; plus strand). Cytogenetic location: 1q31.3.
Variant type: single nucleotide variant.
Coding change: c.694C>T on transcript NM_000186.4 (MANE Select); coding-DNA position 694, C replaced by T.
Protein change: p.Arg232Ter; replaces arginine 232 with a stop codon.
Molecular consequence: nonsense.
Genome position (GRCh38, 1-based): chr1:196,679,697, C>T. VCF-style: chr1-196679697-C-T. GRCh37 (hg19) VCF-style: chr1-196648827-C-T.
Other names: c.694C>T, p.Arg232Ter (NM_001014975.3); short protein forms R232*.
Identifiers: ClinVar variation 1162886 (VCV001162886.16), dbSNP rs755790570, ClinGen allele CA1305130.

ClinVar aggregate classification (germline): Pathogenic/Likely pathogenic. Review status: criteria provided, multiple submitters, no conflicts (2 of 4 stars). 6 submissions from 6 submitters: Pathogenic (3); Likely pathogenic (3). Last evaluated 2026-09-17.

Conditions:
Atypical hemolytic-uremic syndrome. Identifiers: Orphanet 2134, MedGen C2931788, MONDO:0016244.
Factor H deficiency (CFHD). Also called: COMPLEMENT FACTOR H DEFICIENCY; CFH DEFICIENCY. Identifiers: Orphanet 200421, MedGen C0398777, MONDO:0012350, OMIM 609814.
Basal laminar drusen. Also called: DRUSEN OF BRUCH MEMBRANE; DRUSEN, CUTICULAR; DRUSEN, EARLY ADULT-ONSET, GROUPED. Identifiers: Orphanet 75376, MedGen C0730295, MONDO:0007472, OMIM 126700.

Allele frequency attached by ClinVar (database versions not stated): TOPMed 0.00001; ExAC 0.00002.

Submissions (6):

Genomenon, Inc
Classification: Pathogenic for Atypical hemolytic-uremic syndrome; Factor H deficiency; Basal laminar drusen. Last evaluated: 2026-09-17. Review status: criteria provided, single submitter. Criteria: Genomenon Sequence Variant Interpretation Standards - Updated. Collection method: curation. Allele origin: germline. Affected: yes.
Comment: CFH p.Arg232Ter (c.694C>T) is a nonsense variant that introduces a premature stop codon at amino acid position 232 and is predicted to result in a truncated or absent protein product. This variant has been observed in at least one proband affected with a CFH-related disorder (PMID: 30905644; 36177613; 25899302; 22456601; 24672732; 29500241). The variant was found to segregate with disease in at least one affected family (PMID: 30905644). It is absent or not present at a significant frequency in gnomAD. In conclusion, we classify CFH p.Arg232Ter (c.694C>T) as a pathogenic variant.

Labcorp Genetics (formerly Invitae), Labcorp
Classification: Pathogenic. Last evaluated: 2025-10-21. Review status: criteria provided, single submitter. Criteria: Invitae Variant Classification Sherloc (09022015). Collection method: clinical testing. Allele origin: germline.
Comment: This sequence change creates a premature translational stop signal (p.Arg232*) in the CFH gene. It is expected to result in an absent or disrupted protein product. Loss-of-function variants in CFH are known to be pathogenic (PMID: 11170896, 14978182, 16621965, 23870792, 25188723). This variant is present in population databases (rs755790570, gnomAD 0.003%). This premature translational stop signal has been observed in individual(s) with clinical features of CFH-related conditions (PMID: 22456601, 30905644). ClinVar contains an entry for this variant (Variation ID: 1162886). Algorithms developed to predict the effect of sequence changes on RNA splicing suggest that this variant may disrupt the consensus splice site. For these reasons, this variant has been classified as Pathogenic.

Mayo Clinic Laboratories, Mayo Clinic
Classification: Likely pathogenic. Last evaluated: 2025-07-08. Review status: criteria provided, single submitter. Criteria: ACMG Guidelines, 2015. Collection method: clinical testing. Allele origin: germline. Observed: 2 variant alleles.
Comment: PM2_supporting, PVS1

Genomic Medicine Center of Excellence, King Faisal Specialist Hospital and Research Centre
Classification: Likely pathogenic for Factor H deficiency. Last evaluated: 2024-04-04. Review status: criteria provided, single submitter. Criteria: ACMG Guidelines, 2015. Collection method: clinical testing. Allele origin: germline.

Genome-Nilou Lab
Classification: Likely pathogenic for Factor H deficiency. Last evaluated: 2023-04-11. Review status: criteria provided, single submitter. Criteria: ACMG Guidelines, 2015. Collection method: clinical testing. Allele origin: germline. Affected: no.

GeneDx
Classification: Pathogenic. Last evaluated: 2022-09-20. Review status: criteria provided, single submitter. Criteria: GeneDx Variant Classification Process June 2021. Collection method: clinical testing. Allele origin: germline. Affected: yes.
Comment: Nonsense variant predicted to result in protein truncation or nonsense mediated decay in a gene for which loss of function is a known mechanism of disease; Not observed at significant frequency in large population cohorts (gnomAD); This variant is associated with the following publications: (PMID: 24672732, 30905644, 22456601, 25899302, 24799308)

Literature cited by the submitters: PubMed 30905644 (cited by 3 submitters); PubMed 36177613 (cited by Genomenon, Inc and Mayo Clinic Laboratories, Mayo Clinic); PubMed 25899302 (cited by Genomenon, Inc and Mayo Clinic Laboratories, Mayo Clinic); PubMed 22456601 (cited by 3 submitters); PubMed 24672732 (cited by Genomenon, Inc and Mayo Clinic Laboratories, Mayo Clinic); PubMed 29500241 (cited by Genomenon, Inc); PubMed 11170896 (cited by Labcorp Genetics (formerly Invitae), Labcorp); PubMed 14978182 (cited by Labcorp Genetics (formerly Invitae), Labcorp); PubMed 16621965 (cited by Labcorp Genetics (formerly Invitae), Labcorp); PubMed 23870792 (cited by Labcorp Genetics (formerly Invitae), Labcorp); PubMed 25188723 (cited by Labcorp Genetics (formerly Invitae), Labcorp); PubMed 37369098 (cited by Mayo Clinic Laboratories, Mayo Clinic).